The following is an entry in ClinVar:

ClinVar aggregate classification (germline): Likely pathogenic (1 of 4 stars; one submission).

Conditions:
Dystonia 12 (DYT12). Also called: DYT-ATP1A3; Rapid-Onset Dystonia-Parkinsonism (RDP). Identifiers: Orphanet 71517, MedGen C1868681, MONDO:0007496, OMIM 128235.

Submission:

Labcorp Genetics (formerly Invitae), Labcorp
Classification: Likely pathogenic for Dystonia 12. Last evaluated: 2025-06-23. Review status: criteria provided, single submitter. Criteria: Invitae Variant Classification Sherloc (09022015). Collection method: clinical testing. Allele origin: germline.
Comment: This sequence change replaces glycine, which is neutral and non-polar, with valine, which is neutral and non-polar, at codon 325 of the ATP1A3 protein (p.Gly325Val). This variant is not present in population databases (gnomAD no frequency). This variant has not been reported in the literature in individuals affected with ATP1A3-related conditions. Invitae Evidence Modeling of protein sequence and biophysical properties (such as structural, functional, and spatial information, amino acid conservation, physicochemical variation, residue mobility, and thermodynamic stability) indicates that this missense variant is expected to disrupt ATP1A3 protein function with a positive predictive value of 95%. This variant disrupts the p.Gly325 amino acid residue in ATP1A3. Other variant(s) that disrupt this residue have been determined to be pathogenic (PMID: 25326637). This suggests that this residue is clinically significant, and that variants that disrupt this residue are likely to be disease-causing. In summary, the currently available evidence indicates that the variant is pathogenic, but additional data are needed to prove that conclusively. Therefore, this variant has been classified as Likely Pathogenic.

Literature cited by the submitters: PubMed 25326637.

NM_152296.5(ATP1A3):c.974G>T (p.Gly325Val)

Gene: ATP1A3 (ATPase Na+/K+ transporting subunit alpha 3; minus strand). Cytogenetic location: 19q13.2.
Variant type: single nucleotide variant.
Coding change: c.974G>T on transcript NM_152296.5 (MANE Select); coding-DNA position 974, G replaced by T.
Protein change: p.Gly325Val; replaces glycine 325 with valine.
Molecular consequence: missense variant.
Genome position (GRCh38, 1-based): chr19:41,984,937, C>A on the plus strand (G>T on the coding strand, the complement: ATP1A3 is on the minus strand). VCF-style: chr19-41984937-C-A. GRCh37 (hg19) VCF-style: chr19-42489089-C-A.
Other names: c.1007G>T, p.Gly336Val (NM_001256213.2); c.1013G>T, p.Gly338Val (NM_001256214.2); short protein forms G325V, G336V, G338V.
Identifiers: ClinVar variation 4802157 (VCV004802157.1).
Genomic context (GRCh38, chr19:41,984,937, plus strand): 5'-CCCCAGGCCCTCCCCACCCAGACCCAGGAGCCTGGCCTTACAGTGACAGTGGCCAGCAGA[C>A]CCTCTGGGACATTGGCCACGATGATGCCGATGAGGAAGATGACAGCCTCAAGCCAGGTGT-3'
Protein context (NP_689509.1, residues 315-335): IGIIVANVPE[Gly325Val]LLATVTVCLT